The following is an entry in ClinVar:

ClinVar aggregate classification (germline): Conflicting classifications of pathogenicity. Review status: criteria provided, conflicting classifications (1 of 4 stars). 3 submissions from 3 submitters: Uncertain significance (1); Likely benign (2). Last evaluated 2024-04-05.

Allele frequency attached by ClinVar (database versions not stated): gnomAD exomes 0.00001; TOPMed 0.00007.
gnomAD v4.1: 33 of 1,537,864 alleles (0.0021%); highest among the groups gnomAD compares: African/African-American, 0.038%; no homozygotes.

Submissions (3):

Labcorp Genetics (formerly Invitae), Labcorp
Classification: Likely benign. Last evaluated: 2024-04-05. Review status: criteria provided, single submitter. Criteria: Invitae Variant Classification Sherloc (09022015). Collection method: clinical testing. Allele origin: germline.

GeneDx
Classification: Uncertain significance. Last evaluated: 2023-05-01. Review status: criteria provided, single submitter. Criteria: GeneDx Variant Classification Process June 2021. Collection method: clinical testing. Allele origin: germline. Affected: yes.
Comment: In silico analysis supports that this missense variant has a deleterious effect on protein structure/function; Has not been previously published as pathogenic or benign to our knowledge; This variant is associated with the following publications: (PMID: 33526774)

Blueprint Genetics
Classification: Likely benign. Last evaluated: 2023-04-18. Review status: criteria provided, single submitter. Criteria: ACMG Guidelines, 2015. Collection method: clinical testing. Allele origin: germline.

NM_018896.5(CACNA1G):c.77C>G (p.Ser26Trp)

Genes: CACNA1G (calcium voltage-gated channel subunit alpha1 G; plus strand), CACNA1G-AS1 (CACNA1G antisense RNA 1; minus strand). Cytogenetic location: 17q21.33.
Variant type: single nucleotide variant.
Coding change: c.77C>G on transcript NM_018896.5 (MANE Select); coding-DNA position 77, C replaced by G.
Protein change: p.Ser26Trp; replaces serine 26 with tryptophan.
Molecular consequence: missense variant. On other transcripts: non-coding transcript variant (5).
Genome position (GRCh38, 1-based): chr17:50,561,536, C>G. VCF-style: chr17-50561536-C-G. GRCh37 (hg19) VCF-style: chr17-48638897-C-G.
Other names: c.77C>G, p.Ser26Trp (NM_001256324.2, NM_001256325.2, NM_001256326.2 and 24 more transcripts); short protein forms S26W.
Identifiers: ClinVar variation 387126 (VCV000387126.6), dbSNP rs947131228, ClinGen allele CA16607756.
Genomic context (GRCh38, chr17:50,561,536, plus strand): 5'-ATGGAGCGGGCGCCGAGGAGTCGGGACAGCCCCGGAGCTTCATGCGGCTCAACGACCTGT[C>G]GGGGGCCGGGGGCCGGCCGGGGCCGGGGTCAGCAGAAAAGGACCCGGGCAGCGCGGACTC-3'
Protein context (NP_061496.2, residues 16-36): PRSFMRLNDL[Ser26Trp]GAGGRPGPGS